The following is an entry in ClinVar:

ClinVar aggregate classification (germline): Uncertain significance (1 of 4 stars; one submission).

Conditions:
Cardiovascular phenotype. Identifiers: MedGen CN230736.

gnomAD v4.1: 2 of 1,211,238 alleles (0.00017%); no homozygotes.

Submission:

Ambry Genetics
Classification: Uncertain significance for Cardiovascular phenotype. Last evaluated: 2019-12-30. Review status: criteria provided, single submitter. Criteria: Ambry Variant Classification Scheme 2023. Collection method: clinical testing. Allele origin: germline.
Comment: The p.R550S variant (also known as c.1648C>A), located in coding exon 14 of the DMD gene, results from a C to A substitution at nucleotide position 1648. The arginine at codon 550 is replaced by serine, an amino acid with dissimilar properties. This amino acid position is highly conserved in available vertebrate species. In addition, this alteration is predicted to be deleterious by in silico analysis. Since supporting evidence is limited at this time, the clinical significance of this alteration remains unclear.

NM_004006.3(DMD):c.1648C>A (p.Arg550Ser)

Gene: DMD (dystrophin; minus strand). Cytogenetic location: Xp21.1.
Variant type: single nucleotide variant.
Coding change: c.1648C>A on transcript NM_004006.3 (MANE Select); coding-DNA position 1648, C replaced by A.
Protein change: p.Arg550Ser; replaces arginine 550 with serine.
Molecular consequence: missense variant.
Genome position (GRCh38, 1-based): chrX:32,573,801, G>T on the plus strand (C>A on the coding strand, the complement: DMD is on the minus strand). VCF-style: chrX-32573801-G-T. GRCh37 (hg19) VCF-style: chrX-32591918-G-T.
Other names: c.1624C>A, p.Arg542Ser (NM_000109.4); c.1636C>A, p.Arg546Ser (NM_004009.3); c.1279C>A, p.Arg427Ser (NM_004010.3); short protein forms R546S, R427S, R550S, R542S.
Identifiers: ClinVar variation 1777185 (VCV001777185.2), dbSNP rs778354538, ClinGen allele CA412673435.
Genomic context (GRCh38, chrX:32,573,801, plus strand): 5'-ACACCTGTTCTTCAGTAAGACGTTGCCATTTGAGAAGGATGTCTTGTAAAAGAACCCAGC[G>T]GTCTTCTGTCCATCTACAGATGTTTGCCCATCGATCTCCCAATACCTGGAGAAGAGACAA-3'
Protein context (NP_003997.2, residues 540-560): WANICRWTED[Arg550Ser]WVLLQDILLK